The following is an entry in ClinVar:

ClinVar aggregate classification (germline): Pathogenic/Likely pathogenic. Review status: criteria provided, multiple submitters, no conflicts (2 of 4 stars). 2 submissions from 2 submitters: Pathogenic (1); Likely pathogenic (1). Last evaluated 2023-01-30.

Conditions:
FBN1-related disorder. Also called: FBN1-related disorders.
Marfan syndrome (MFS). Also called: MARFAN SYNDROME, TYPE I; Marfan syndrome type 1; Marfan's syndrome; Marfan syndrome, classic; FBN1-Related Marfan Syndrome. Identifiers: Orphanet 284963, Orphanet 558, MedGen C0024796, MONDO:0007947, OMIM 154700.
Familial thoracic aortic aneurysm and aortic dissection (TAAD). Also called: Thoracic aortic aneurysms and dissections. Identifiers: Orphanet 91387, MedGen C4707243, MONDO:0019625.

Submissions (2):

Labcorp Genetics (formerly Invitae), Labcorp
Classification: Pathogenic for Marfan syndrome; Familial thoracic aortic aneurysm and aortic dissection. Last evaluated: 2023-01-30. Review status: criteria provided, single submitter. Criteria: Invitae Variant Classification Sherloc (09022015). Collection method: clinical testing. Allele origin: germline.
Comment: This sequence change falls in intron 28 of the FBN1 gene. It does not directly change the encoded amino acid sequence of the FBN1 protein. For these reasons, this variant has been classified as Pathogenic. Algorithms developed to predict the effect of sequence changes on RNA splicing suggest that this variant may create or strengthen a splice site. This variant has been observed in individual(s) with clinical features of Marfan syndrome (PMID: 24161884; Invitae). In at least one individual the variant was observed to be de novo. This variant is not present in population databases (gnomAD no frequency).

Blueprint Genetics
Classification: Likely pathogenic for FBN1-related disorders. Last evaluated: 2022-01-28. Review status: criteria provided, single submitter. Criteria: ACMG Guidelines, 2015. Collection method: clinical testing. Allele origin: germline. Affected: yes. Observed: 2 variant alleles.

Literature cited by the submitters: PubMed 24161884 (cited by Labcorp Genetics (formerly Invitae), Labcorp).

NM_000138.5(FBN1):c.3464-6C>A

Gene: FBN1 (fibrillin 1; minus strand). Cytogenetic location: 15q21.1.
Variant type: single nucleotide variant.
Coding change: c.3464-6C>A on transcript NM_000138.5 (MANE Select); 6 bases into the intron before coding-DNA position 3464, C replaced by A.
Molecular consequence: intron variant.
Genome position (GRCh38, 1-based): chr15:48,487,206, G>T on the plus strand (C>A on the coding strand, the complement: FBN1 is on the minus strand). VCF-style: chr15-48487206-G-T. GRCh37 (hg19) VCF-style: chr15-48779403-G-T.
Other names: c.3464-6C>A (NM_001406716.1).
Identifiers: ClinVar variation 2925561 (VCV002925561.4), dbSNP rs375596551, ClinGen allele CA2537485335.